The following is an entry in ClinVar:

NM_021267.5(CERS1):c.962G>A (p.Arg321Gln)

Genes: CERS1 (ceramide synthase 1; minus strand), GDF1 (growth differentiation factor 1; minus strand). Cytogenetic location: 19p13.11.
Variant type: single nucleotide variant.
Coding change: c.962G>A on transcript NM_021267.5 (MANE Select); coding-DNA position 962, G replaced by A.
Protein change: p.Arg321Gln; replaces arginine 321 with glutamine.
Molecular consequence: missense variant. On other transcripts: 5 prime UTR variant (1), intron variant (1).
Genome position (GRCh38, 1-based): chr19:18,878,978, C>T on the plus strand (G>A on the coding strand, the complement: CERS1 is on the minus strand). VCF-style: chr19-18878978-C-T. GRCh37 (hg19) VCF-style: chr19-18989787-C-T.
Other names: c.668G>A, p.Arg223Gln (NM_001290265.2, NM_001387442.1, NM_001387443.1 and 2 more transcripts); c.962G>A, p.Arg321Gln (NM_001387439.1, NM_001387440.1, NM_198207.3); c.917G>A, p.Arg306Gln (NM_001387441.1); c.-361G>A (NM_001492.6); c.-313+5109G>A (NM_001387438.1); short protein forms R306Q, R223Q, R321Q.
Identifiers: ClinVar variation 1036000 (VCV001036000.6), dbSNP rs745387497, ClinGen allele CA9318078.

ClinVar aggregate classification (germline): Uncertain significance (1 of 4 stars; one submission).

Conditions:
Progressive myoclonic epilepsy type 8. Identifiers: Orphanet 424027, MedGen C5190825, MONDO:0014545, OMIM 616230.

Allele frequency attached by ClinVar (database versions not stated): TOPMed below 0.00001; gnomAD exomes 0.00001; ExAC 0.00002; gnomAD 0.00002.
gnomAD v4.1: 18 of 1,613,700 alleles (0.0011%); highest among the groups gnomAD compares: African/African-American, 0.0013%; no homozygotes.

Submission:

Labcorp Genetics (formerly Invitae), Labcorp
Classification: Uncertain significance for Progressive myoclonic epilepsy type 8. Last evaluated: 2021-08-30. Review status: criteria provided, single submitter. Criteria: Invitae Variant Classification Sherloc (09022015). Collection method: clinical testing. Allele origin: germline.
Comment: This sequence change replaces arginine with glutamine at codon 321 of the CERS1 protein (p.Arg321Gln). The arginine residue is highly conserved and there is a small physicochemical difference between arginine and glutamine. This variant is present in population databases (rs745387497, ExAC 0.003%). This variant has not been reported in the literature in individuals affected with CERS1-related conditions. Algorithms developed to predict the effect of missense changes on protein structure and function are either unavailable or do not agree on the potential impact of this missense change (SIFT: "Deleterious"; PolyPhen-2: "Probably Damaging"; Align-GVGD: "Class C0"). In summary, the available evidence is currently insufficient to determine the role of this variant in disease. Therefore, it has been classified as a Variant of Uncertain Significance.